The following is an entry in ClinVar:

NM_001128840.3(CACNA1D):c.2221+2T>C

Gene: CACNA1D (calcium voltage-gated channel subunit alpha1 D; plus strand). Cytogenetic location: 3p21.1.
Variant type: single nucleotide variant.
Coding change: c.2221+2T>C on transcript NM_001128840.3 (MANE Select); the canonical splice donor site of the intron after coding-DNA position 2221, T replaced by C.
Molecular consequence: splice donor variant.
Genome position (GRCh38, 1-based): chr3:53,727,001, T>C. VCF-style: chr3-53727001-T-C. GRCh37 (hg19) VCF-style: chr3-53761028-T-C.
Other names: c.2221+2T>C (NM_001128839.3); c.2281+2T>C (NM_000720.4).
Identifiers: ClinVar variation 2860179 (VCV002860179.3), dbSNP rs2473733038, ClinGen allele CA353239319.

ClinVar aggregate classification (germline): Uncertain significance (1 of 4 stars; one submission).

Submission:

Labcorp Genetics (formerly Invitae), Labcorp
Classification: Uncertain significance. Last evaluated: 2023-04-28. Review status: criteria provided, single submitter. Criteria: Invitae Variant Classification Sherloc (09022015). Collection method: clinical testing. Allele origin: germline.
Comment: In summary, the available evidence is currently insufficient to determine the role of this variant in disease. Therefore, it has been classified as a Variant of Uncertain Significance. Algorithms developed to predict the effect of sequence changes on RNA splicing suggest that this variant may disrupt the consensus splice site. This variant has not been reported in the literature in individuals affected with CACNA1D-related conditions. This variant is not present in population databases (gnomAD no frequency). This sequence change affects a donor splice site in intron 16 of the CACNA1D gene. It is expected to disrupt RNA splicing. Variants that disrupt the donor or acceptor splice site typically lead to a loss of protein function (PMID: 16199547), however the current clinical and genetic evidence is not sufficient to establish whether loss-of-function variants in CACNA1D cause disease.

Literature cited by the submitters: PubMed 16199547.